The following is an entry in ClinVar:

NM_001330588.2(TPP2):c.1914-40T>C

Gene: TPP2 (tripeptidyl peptidase 2; plus strand). Cytogenetic location: 13q33.1.
Variant type: single nucleotide variant.
Coding change: c.1914-40T>C on transcript NM_001330588.2 (MANE Select); 40 bases into the intron before coding-DNA position 1914, T replaced by C.
Molecular consequence: intron variant.
Genome position (GRCh38, 1-based): chr13:102,640,230, T>C. VCF-style: chr13-102640230-T-C. GRCh37 (hg19) VCF-style: chr13-103292580-T-C.
Other names: c.1914-40T>C (NM_001367947.1, NM_003291.4).
Identifiers: ClinVar variation 2688510 (VCV002688510.2), dbSNP rs41281652, ClinGen allele CA7037874.
Genomic context (GRCh38, chr13:102,640,230, plus strand): 5'-ATTTCCAATGAATTGTTATTTTGCGTTTATCCAATGAAATCTAGAGTATCTGTGGTCTTA[T>C]AATAAATATATACATTTAATTACTTTTATTAATTTTCAGAGTAAATGAATCATCACATTA-3'

ClinVar aggregate classification (germline): Benign (1 of 4 stars; one submission).

Allele frequency attached by ClinVar (database versions not stated): gnomAD exomes 0.10877; gnomAD 0.14924; ESP Exome Variant Server 0.15104; TOPMed 0.15740; 1000 Genomes Project 0.16933; 1000 Genomes Project 30x 0.17099; ExAC 0.19153.
gnomAD v4.1: 159,025 of 1,394,824 alleles (11%); highest among the groups gnomAD compares: African/African-American, 26%; 10,621 homozygotes.

Submission:

Unidad de Genómica Garrahan, Hospital de Pediatría Garrahan
Classification: Benign. Last evaluated: 2024-01-24. Review status: criteria provided, single submitter. Criteria: ACMG Guidelines, 2015. Collection method: clinical testing. Allele origin: germline. Affected: no. Observed: 18 variant alleles.
Comment: This variant is classified as Benign based on local population frequency. This variant was detected in 20% of patients studied by a panel of primary immunodeficiencies. Number of patients: 18. Only high quality variants are reported.